The following is an entry in ClinVar:

NM_024685.4(BBS10):c.767G>T (p.Arg256Leu)

Gene: BBS10 (Bardet-Biedl syndrome 10; minus strand). Cytogenetic location: 12q21.2.
Variant type: single nucleotide variant.
Coding change: c.767G>T on transcript NM_024685.4 (MANE Select); coding-DNA position 767, G replaced by T.
Protein change: p.Arg256Leu; replaces arginine 256 with leucine.
Molecular consequence: missense variant.
Genome position (GRCh38, 1-based): chr12:76,347,218, C>A on the plus strand (G>T on the coding strand, the complement: BBS10 is on the minus strand). VCF-style: chr12-76347218-C-A. GRCh37 (hg19) VCF-style: chr12-76740998-C-A.
Other names: c.767G>T (NM_024685.3); short protein forms R256L.
Identifiers: ClinVar variation 2049554 (VCV002049554.5), dbSNP rs761289252, ClinGen allele CA6694289.

ClinVar aggregate classification (germline): Uncertain significance. Review status: criteria provided, multiple submitters, no conflicts (2 of 4 stars). 3 submissions from 3 submitters: Uncertain significance (3). Last evaluated 2024-10-15.

Conditions:
Bardet-Biedl syndrome (BBS). Identifiers: Orphanet 110, MedGen C0752166, MONDO:0015229.
Inborn genetic diseases. Identifiers: MedGen C0950123, MeSH D030342.

Allele frequency attached by ClinVar (database versions not stated): TOPMed 0.00001; ExAC 0.00003; gnomAD 0.00003.

Submissions (3):

Labcorp Genetics (formerly Invitae), Labcorp
Classification: Uncertain significance for Bardet-Biedl syndrome. Last evaluated: 2024-10-15. Review status: criteria provided, single submitter. Criteria: Invitae Variant Classification Sherloc (09022015). Collection method: clinical testing. Allele origin: germline.
Comment: This sequence change replaces arginine, which is basic and polar, with leucine, which is neutral and non-polar, at codon 256 of the BBS10 protein (p.Arg256Leu). This variant is present in population databases (rs761289252, gnomAD 0.02%). This variant has not been reported in the literature in individuals affected with BBS10-related conditions. ClinVar contains an entry for this variant (Variation ID: 2049554). Invitae Evidence Modeling of protein sequence and biophysical properties (such as structural, functional, and spatial information, amino acid conservation, physicochemical variation, residue mobility, and thermodynamic stability) has been performed for this missense variant. However, the output from this modeling did not meet the statistical confidence thresholds required to predict the impact of this variant on BBS10 protein function. In summary, the available evidence is currently insufficient to determine the role of this variant in disease. Therefore, it has been classified as a Variant of Uncertain Significance.

Ambry Genetics
Classification: Uncertain significance for Inborn genetic diseases. Last evaluated: 2023-09-23. Review status: criteria provided, single submitter. Criteria: Ambry Variant Classification Scheme 2023. Collection method: clinical testing. Allele origin: germline.

Blueprint Genetics
Classification: Uncertain significance. Last evaluated: 2023-06-29. Review status: criteria provided, single submitter. Criteria: ACMG Guidelines, 2015. Collection method: clinical testing. Allele origin: germline.